The following is an entry in ClinVar:

ClinVar aggregate classification (germline): Conflicting classifications of pathogenicity. Review status: criteria provided, conflicting classifications (1 of 4 stars). 4 submissions from 4 submitters: Pathogenic (1); Likely pathogenic (2); Uncertain significance (1). Last evaluated 2025-07-17.

Conditions:
Myasthenic syndrome, congenital, 22 (CMS22). Also called: PREPL DEFICIENCY. Identifiers: MedGen C4479088, MONDO:0044299, OMIM 616224.

Allele frequency attached by ClinVar (database versions not stated): gnomAD exomes 0.00002 and 0.00003; TOPMed 0.00002; ExAC 0.00003.
gnomAD v4.1: 9 of 1,608,360 alleles (0.00056%); highest among the groups gnomAD compares: Admixed American, 0.015%; no homozygotes.

Submissions (5):

Labcorp Genetics (formerly Invitae), Labcorp
Classification: Pathogenic for Myasthenic syndrome, congenital, 22. Last evaluated: 2025-07-17. Review status: criteria provided, single submitter. Criteria: Invitae Variant Classification Sherloc (09022015). Collection method: clinical testing. Allele origin: germline.
Comment: This sequence change affects a donor splice site in intron 7 of the PREPL gene. It is expected to disrupt RNA splicing. Variants that disrupt the donor or acceptor splice site typically lead to a loss of protein function (PMID: 16199547), and loss-of-function variants in PREPL are known to be pathogenic (PMID: 24610330, 28726805, 29913539). This variant is present in population databases (rs758019788, gnomAD 0.02%). Disruption of this splice site has been observed in individual(s) with congenital hypotonia (internal data). In at least one individual the data is consistent with being in trans (on the opposite chromosome) from a pathogenic variant. ClinVar contains an entry for this variant (Variation ID: 569764). Algorithms developed to predict the effect of sequence changes on RNA splicing suggest that this variant may disrupt the consensus splice site. For these reasons, this variant has been classified as Pathogenic.

GeneDx
Classification: Uncertain significance. Last evaluated: 2023-06-27. Review status: criteria provided, single submitter. Criteria: GeneDx Variant Classification Process June 2021. Collection method: clinical testing. Allele origin: germline.
Comment: Canonical splice site variant expected to result in aberrant splicing, although in the absence of functional evidence the actual effect of this sequence change is unknown.; Has not been previously published as pathogenic or benign to our knowledge; This variant is associated with the following publications: (PMID: 31589614, 29913539)

Fulgent Genetics
Classification: Likely pathogenic for Myasthenic syndrome, congenital, 22. Last evaluated: 2021-09-20. Review status: criteria provided, single submitter. Criteria: ACMG Guidelines, 2015. Collection method: clinical testing. Allele origin: unknown.

Illumina Laboratory Services, Illumina
Classification: Likely pathogenic for Myasthenic syndrome, congenital, 22. Last evaluated: 2019-09-10. Review status: criteria provided, single submitter. Criteria: ICSLVariantClassificationCriteria RUGD 01 April 2020. Collection method: clinical testing. Allele origin: unknown.
Comment: The PREPL c.1155+1G>A variant occurs in a canonical splice site (donor) and is therefore predicted to disrupt or distort the normal gene product. A literature search was performed for the gene and cDNA change. No publications were found based on this search. The variant is reported at a frequency of 0.000179 in the Latino population of the Genome Aggregation Database. Based on the known significance of loss of function variants in the PREPL gene and application of ACMG criteria, the c.1155+1G>A variant is classified as likely pathogenic for PREPL deficiency.

Dr. Peter K. Rogan Lab, Western University
No classification provided (evidence only). Condition: Ovarian serous cystadenocarcinoma. Review status: no classification provided. Collection method: in vitro. Allele origin: not applicable. Functional consequence: skipped exon. Not counted in ClinVar's aggregate classification.

Literature cited by the submitters: PubMed 16199547 (cited by Labcorp Genetics (formerly Invitae), Labcorp); PubMed 24610330 (cited by Labcorp Genetics (formerly Invitae), Labcorp); PubMed 28726805 (cited by Labcorp Genetics (formerly Invitae), Labcorp); PubMed 29913539 (cited by Labcorp Genetics (formerly Invitae), Labcorp).

NM_001171613.2(PREPL):c.888+1G>A

Gene: PREPL (prolyl endopeptidase like; minus strand). Cytogenetic location: 2p21.
Variant type: single nucleotide variant.
Coding change: c.888+1G>A on transcript NM_001171613.2 (MANE Select); the canonical splice donor site of the intron after coding-DNA position 888, G replaced by A.
Molecular consequence: splice donor variant. On other transcripts: intron variant (1).
Genome position (GRCh38, 1-based): chr2:44,338,350, C>T on the plus strand (G>A on the coding strand, the complement: PREPL is on the minus strand). VCF-style: chr2-44338350-C-T. GRCh37 (hg19) VCF-style: chr2-44565489-C-T.
Other names: c.888+1G>A (NM_001171617.1, NM_001374277.1); c.1155+1G>A (NM_001171603.1, NM_001374275.1, NM_001374276.1 and 3 more transcripts); c.969+797G>A (NM_001042385.2).
Identifiers: ClinVar variation 569764 (VCV000569764.17), dbSNP rs758019788, ClinGen allele CA1641317.